The following is an entry in ClinVar:

ClinVar aggregate classification (germline): Uncertain significance. Review status: criteria provided, multiple submitters, no conflicts (2 of 4 stars). 3 submissions from 3 submitters: Uncertain significance (2). 1 of the submissions does not count toward it. Last evaluated 2024-07-09.

Allele frequency attached by ClinVar (database versions not stated): gnomAD 0.00013 and 0.00014; gnomAD exomes 0.00013 and 0.00015; ExAC 0.00015; TOPMed 0.00015.
gnomAD v4.1: 224 of 1,574,228 alleles (0.014%); highest among the groups gnomAD compares: Non-Finnish European, 0.019%; no homozygotes.

Submissions (3):

Ambry Genetics
Classification: Uncertain significance. Last evaluated: 2024-07-09. Review status: criteria provided, single submitter. Criteria: Ambry Variant Classification Scheme 2023. Collection method: clinical testing. Allele origin: germline.

Labcorp Genetics (formerly Invitae), Labcorp
Classification: Uncertain significance. Last evaluated: 2024-01-24. Review status: criteria provided, single submitter. Criteria: Invitae Variant Classification Sherloc (09022015). Collection method: clinical testing. Allele origin: germline.
Comment: This sequence change replaces lysine, which is basic and polar, with glutamic acid, which is acidic and polar, at codon 41 of the NUP85 protein (p.Lys41Glu). This variant is present in population databases (rs761849736, gnomAD 0.03%). This variant has not been reported in the literature in individuals affected with NUP85-related conditions. ClinVar contains an entry for this variant (Variation ID: 1048877). An algorithm developed to predict the effect of missense changes on protein structure and function (PolyPhen-2) suggests that this variant¬†is likely to be tolerated. In summary, the available evidence is currently insufficient to determine the role of this variant in disease. Therefore, it has been classified as a Variant of Uncertain Significance.

Department of Pathology and Laboratory Medicine, Sinai Health System
Classification: Uncertain significance. Review status: no assertion criteria provided. Collection method: clinical testing. Allele origin: unknown. Affected: yes. Study: The Canadian Open Genetics Repository (COGR). Not counted in ClinVar's aggregate classification.
Comment: The NUP85 p.Lys41Glu variant was not identified in the literature nor was it identified in ClinVar. The variant was identified in dbSNP (ID: rs761849736) and in control databases in 38 of 277422 chromosomes at a frequency of 0.000137 (Genome Aggregation Database March 6, 2019, v2.1.1). The variant was observed in the following populations: European (non-Finnish) in 37 of 127734 chromosomes (freq: 0.00029) and Other in 1 of 7140 chromosomes (freq: 0.00014), but was not observed in the African, Latino, Ashkenazi Jewish, East Asian, European (Finnish), or South Asian populations. The p.Lys41 residue is not conserved in mammals and computational analyses (PolyPhen-2, SIFT, AlignGVGD, BLOSUM, MutationTaster) do not suggest a high likelihood of impact to the protein; however, this information is not predictive enough to rule out pathogenicity. The variant occurs outside of the splicing consensus sequence and in silico or computational prediction software programs (SpliceSiteFinder, MaxEntScan, NNSPLICE, GeneSplicer) do not predict a difference in splicing. In summary, based on the above information the clinical significance of this variant cannot be determined with certainty at this time. This variant is classified as a variant of uncertain significance.

NM_024844.5(NUP85):c.121A>G (p.Lys41Glu)

Gene: NUP85 (nucleoporin 85; plus strand). Cytogenetic location: 17q25.1.
Variant type: single nucleotide variant.
Coding change: c.121A>G on transcript NM_024844.5 (MANE Select); coding-DNA position 121, A replaced by G.
Protein change: p.Lys41Glu; replaces lysine 41 with glutamic acid.
Molecular consequence: missense variant. On other transcripts: intron variant (1).
Genome position (GRCh38, 1-based): chr17:75,208,614, A>G. VCF-style: chr17-75208614-A-G. GRCh37 (hg19) VCF-style: chr17-73204709-A-G.
Other names: c.121A>G, p.Lys41Glu (NM_001330472.2); c.-11-1209A>G (NM_001303276.2); c.121A>G (NM_024844.3); short protein forms K41E.
Identifiers: ClinVar variation 1048877 (VCV001048877.6), dbSNP rs761849736, ClinGen allele CA8758307.